The following is an entry in ClinVar:

NM_000612.6(IGF2):c.97T>C (p.Cys33Arg)

Genes: IGF2 (insulin like growth factor 2; minus strand), INS-IGF2 (INS-IGF2 readthrough; minus strand). Cytogenetic location: 11p15.5.
Variant type: single nucleotide variant.
Coding change: c.97T>C on transcript NM_000612.6 (MANE Select); coding-DNA position 97, T replaced by C.
Protein change: p.Cys33Arg; replaces cysteine 33 with arginine.
Molecular consequence: missense variant. On other transcripts: non-coding transcript variant (1).
Genome position (GRCh38, 1-based): chr11:2,135,427, A>G on the plus strand (T>C on the coding strand, the complement: IGF2 is on the minus strand). VCF-style: chr11-2135427-A-G. GRCh37 (hg19) VCF-style: chr11-2156657-A-G.
Other names: c.97T>C, p.Cys33Arg (NM_001007139.6, NM_001291861.3, NM_001291862.3); c.265T>C, p.Cys89Arg (NM_001127598.3); short protein forms C33R, C89R.
Identifiers: ClinVar variation 372980 (VCV000372980.1), dbSNP rs1057518115, ClinGen allele CA16042778.

ClinVar aggregate classification (germline): Likely pathogenic (1 of 4 stars; one submission).

Submission:

GeneDx
Classification: Likely pathogenic. Last evaluated: 2016-06-23. Review status: criteria provided, single submitter. Criteria: GeneDx Variant Classification (06012015). Collection method: clinical testing. Allele origin: germline. Affected: yes.
Comment: The C33R variant in the IGF2 gene has not been reported previously as a pathogenic variant, nor as a benign variant, to our knowledge. The C33R variant was not observed in approximately 6,500 individuals of European and African American ancestry in the NHLBI Exome Sequencing Project, indicating it is not a common benign variant in these populations. The C33R variant is a non-conservative amino acid substitution, which is likely to impact secondary protein structure as these residues differ in polarity, charge, size and/or other properties. This substitution occurs at a position that is conserved across species. In silico analysis predicts this variant is probably damaging to the protein structure/function. Therefore, we interpret C33R as a likely pathogenic variant.